The following is an entry in ClinVar:

ClinVar aggregate classification (germline): Uncertain significance (1 of 4 stars; one submission).

Submission:

GeneDx
Classification: Uncertain significance. Last evaluated: 2024-01-17. Review status: criteria provided, single submitter. Criteria: GeneDx Variant Classification Process June 2021. Collection method: clinical testing. Allele origin: germline. Affected: yes.
Comment: Not observed at significant frequency in large population cohorts (gnomAD); In-frame deletion of one amino acid in a non-repeat region; In silico analysis supports a deleterious effect on protein structure/function; Has not been previously published as pathogenic or benign to our knowledge

NM_003184.4(TAF2):c.818TTC[1] (p.Leu274del)

Gene: TAF2 (TATA-box binding protein associated factor 2; minus strand). Cytogenetic location: 8q24.12.
Variant type: Microsatellite.
Coding change: c.818TTC[1] on transcript NM_003184.4 (MANE Select); one copy of the 3-base unit TTC starting at c.818; the reference has two copies in a row; one copy, 3 bases deleted.
Protein change: p.Leu274del; deletes leucine 274.
Molecular consequence: inframe deletion.
Genome position (GRCh38, 1-based): chr8:119,797,816-119,797,818, GAA deleted on the plus strand (TTC on the coding strand, the reverse complement: TAF2 is on the minus strand); deleting any 3 consecutive bases within chr8:119,797,816-119,797,822 gives the same sequence; the position shown is the placement nearest the transcript's 3' end. VCF-style (leftmost placement, unchanged base first): chr8-119797815-GGAA-G. GRCh37 (hg19) VCF-style: chr8-120810055-GGAA-G.
Other names: short protein forms L274del.
Identifiers: ClinVar variation 3367979 (VCV003367979.1).